The following is an entry in ClinVar:

ClinVar aggregate classification (germline): Uncertain significance. Review status: criteria provided, multiple submitters, no conflicts (2 of 4 stars). 2 submissions from 2 submitters: Uncertain significance (2). Last evaluated 2024-07-08.

Allele frequency attached by ClinVar (database versions not stated): TOPMed 0.00015; gnomAD 0.00017; ExAC 0.00008; 1000 Genomes Project 0.00020; gnomAD exomes 0.00030; 1000 Genomes Project 30x 0.00031.
gnomAD v4.1: 448 of 1,613,662 alleles (0.028%); highest among the groups gnomAD compares: Non-Finnish European, 0.036%; no homozygotes.

Submissions (2):

Ambry Genetics
Classification: Uncertain significance. Last evaluated: 2024-07-08. Review status: criteria provided, single submitter. Criteria: Ambry Variant Classification Scheme 2023. Collection method: clinical testing. Allele origin: germline.

Labcorp Genetics (formerly Invitae), Labcorp
Classification: Uncertain significance. Last evaluated: 2022-11-22. Review status: criteria provided, single submitter. Criteria: Invitae Variant Classification Sherloc (09022015). Collection method: clinical testing. Allele origin: germline.
Comment: Algorithms developed to predict the effect of missense changes on protein structure and function are either unavailable or do not agree on the potential impact of this missense change (SIFT: "Tolerated"; PolyPhen-2: "Possibly Damaging"; Align-GVGD: "Class C0"). In summary, the available evidence is currently insufficient to determine the role of this variant in disease. Therefore, it has been classified as a Variant of Uncertain Significance. This variant has not been reported in the literature in individuals affected with NAA35-related conditions. This variant is present in population databases (rs201727123, gnomAD 0.02%). This sequence change replaces valine, which is neutral and non-polar, with isoleucine, which is neutral and non-polar, at codon 2 of the NAA35 protein (p.Val2Ile).

NM_024635.4(NAA35):c.4G>A (p.Val2Ile)

Gene: NAA35 (N-alpha-acetyltransferase 35, NatC auxiliary subunit; plus strand). Cytogenetic location: 9q21.33.
Variant type: single nucleotide variant.
Coding change: c.4G>A on transcript NM_024635.4 (MANE Select); coding-DNA position 4, G replaced by A.
Protein change: p.Val2Ile; replaces valine 2 with isoleucine.
Molecular consequence: missense variant.
Genome position (GRCh38, 1-based): chr9:85,942,163, G>A. VCF-style: chr9-85942163-G-A. GRCh37 (hg19) VCF-style: chr9-88557078-G-A.
Other names: c.4G>A, p.Val2Ile (NM_001321881.2, NM_001321882.2); c.4G>A (NM_024635.3); short protein forms V2I.
Identifiers: ClinVar variation 2068388 (VCV002068388.5), dbSNP rs201727123, ClinGen allele CA5107002.